The following is an entry in ClinVar:

ClinVar aggregate classification (germline): Conflicting classifications of pathogenicity. Review status: criteria provided, conflicting classifications (1 of 4 stars). 8 submissions from 8 submitters: Uncertain significance (7); Likely benign (1). Last evaluated 2025-04-22.

Conditions:
TTN-related disorder. Also called: TTN-related condition; TTN-related disease; TTN-related disorders.
Dilated cardiomyopathy 1G (CMD1G). Identifiers: Orphanet 154, MedGen C1858763, MONDO:0011400, OMIM 604145.
Autosomal recessive limb-girdle muscular dystrophy type 2J (LGMDR10). Also called: Limb-girdle muscular dystrophy, type 2J; MUSCULAR DYSTROPHY, LIMB-GIRDLE, AUTOSOMAL RECESSIVE 10. Identifiers: Orphanet 140922, MedGen C1837342, MONDO:0012127, OMIM 608807.
Cardiomyopathy (CMYO). Also called: Cardiomyopathies. Identifiers: Orphanet 167848, MedGen C0878544, MONDO:0004994, HP:0001638. Inheritance: Various modes of inheritance.

Allele frequency attached by ClinVar (database versions not stated): gnomAD 0.00004 and 0.00005; ExAC 0.00005; gnomAD exomes 0.00005 and 0.00013; TOPMed 0.00006; 1000 Genomes Project 0.00020; 1000 Genomes Project 30x 0.00031.
gnomAD v4.1: 188 of 1,595,858 alleles (0.012%); highest among the groups gnomAD compares: Non-Finnish European, 0.016%; no homozygotes.

Submissions (8):

PreventionGenetics, part of Exact Sciences
Classification: Uncertain significance for TTN-related condition. Last evaluated: 2025-04-22. Review status: criteria provided, single submitter. Criteria: ACMG Guidelines, 2015. Collection method: clinical testing. Allele origin: germline.
Comment: The TTN c.18037T>C variant is predicted to result in the amino acid substitution p.Tyr6013His. To our knowledge, this variant has not been reported in the literature. This variant is reported in 0.010% of alleles in individuals of European (Non-Finnish) descent in gnomAD. At this time, the clinical significance of this variant is uncertain due to the absence of conclusive functional and genetic evidence.

Athena Diagnostics
Classification: Uncertain significance. Last evaluated: 2022-12-19. Review status: criteria provided, single submitter. Criteria: Athena Diagnostics Criteria. Collection method: clinical testing. Allele origin: unknown.
Comment: Available data are insufficient to determine the clinical significance of the variant at this time. The frequency of this variant in the general population is uninformative in assessment of its pathogenicity. Computational tools disagree on the variant's effect on normal protein function.

Blueprint Genetics
Classification: Uncertain significance. Last evaluated: 2020-02-07. Review status: criteria provided, single submitter. Criteria: ACMG Guidelines, 2015. Collection method: clinical testing. Allele origin: germline.

Mayo Clinic Laboratories, Mayo Clinic
Classification: Uncertain significance. Last evaluated: 2019-10-09. Review status: criteria provided, single submitter. Criteria: ACMG Guidelines, 2015. Collection method: clinical testing. Allele origin: germline. Observed: 1 variant allele.

Revvity Omics, Revvity
Classification: Uncertain significance. Last evaluated: 2019-05-21. Review status: criteria provided, single submitter. Criteria: ACMG Guidelines, 2015. Collection method: clinical testing. Allele origin: germline.

GeneDx
Classification: Likely benign. Last evaluated: 2018-10-11. Review status: criteria provided, single submitter. Criteria: GeneDx Variant Classification Process June 2021. Collection method: clinical testing. Allele origin: germline. Affected: yes.

Labcorp Genetics (formerly Invitae), Labcorp
Classification: Uncertain significance for Dilated cardiomyopathy 1G; Autosomal recessive limb-girdle muscular dystrophy type 2J. Last evaluated: 2017-01-23. Review status: criteria provided, single submitter. Criteria: Invitae Variant Classification Sherloc (09022015). Collection method: clinical testing. Allele origin: germline.

CHEO Genetics Diagnostic Laboratory, Children's Hospital of Eastern Ontario
Classification: Uncertain significance for Cardiomyopathy. Last evaluated: 2017-01-09. Review status: criteria provided, single submitter. Criteria: ACMG Guidelines, 2015. Collection method: clinical testing. Allele origin: germline. Study: Canadian Open Genetics Repository.

NM_001267550.2(TTN):c.18037T>C (p.Tyr6013His)

Gene: TTN (titin; minus strand). Cytogenetic location: 2q31.2.
Variant type: single nucleotide variant.
Coding change: c.18037T>C on transcript NM_001267550.2 (MANE Select); coding-DNA position 18037, T replaced by C.
Protein change: p.Tyr6013His; replaces tyrosine 6013 with histidine.
Molecular consequence: missense variant. On other transcripts: intron variant (3).
Genome position (GRCh38, 1-based): chr2:178,730,363, A>G on the plus strand (T>C on the coding strand, the complement: TTN is on the minus strand). VCF-style: chr2-178730363-A-G. GRCh37 (hg19) VCF-style: chr2-179595090-A-G.
Other names: p.Y5696H:TAC>CAC; c.18037T>C (NM_001267550.1); c.17086T>C, p.Tyr5696His (NM_001256850.1); c.14305T>C, p.Tyr4769His (NM_133378.4); c.13282+7719T>C (NM_003319.4); c.13858+7719T>C (NM_133437.4); c.13657+7719T>C (NM_133432.3); short protein forms Y5696H, Y6013H, Y4769H.
Identifiers: ClinVar variation 203266 (VCV000203266.18), dbSNP rs548015673, ClinGen allele CA311862.